The following is an entry in ClinVar:

NM_014727.3(KMT2B):c.4869C>T (p.Asp1623=)

Gene: KMT2B (lysine methyltransferase 2B; plus strand). Cytogenetic location: 19q13.12.
Variant type: single nucleotide variant.
Coding change: c.4869C>T on transcript NM_014727.3 (MANE Select); coding-DNA position 4869, C replaced by T.
Protein change: p.Asp1623=; no amino-acid change (aspartic acid 1623 retained).
Molecular consequence: synonymous variant.
Genome position (GRCh38, 1-based): chr19:35,729,248, C>T. VCF-style: chr19-35729248-C-T. GRCh37 (hg19) VCF-style: chr19-36220149-C-T.
Identifiers: ClinVar variation 2649744 (VCV002649744.27), dbSNP rs571320506, ClinGen allele CA9385235.

ClinVar aggregate classification (germline): Benign/Likely benign. Review status: criteria provided, multiple submitters, no conflicts (2 of 4 stars). 2 submissions from 2 submitters: Benign (1); Likely benign (1). Last evaluated 2025-09-29.

Allele frequency attached by ClinVar (database versions not stated): TOPMed 0.00001; gnomAD 0.00003; gnomAD exomes 0.00005; 1000 Genomes Project 30x 0.00016; ExAC 0.00019; 1000 Genomes Project 0.00020.
gnomAD v4.1: 76 of 1,605,510 alleles (0.0047%); highest among the groups gnomAD compares: South Asian, 0.049%; no homozygotes.

Submissions (2):

Labcorp Genetics (formerly Invitae), Labcorp
Classification: Benign. Last evaluated: 2025-09-29. Review status: criteria provided, single submitter. Criteria: Invitae Variant Classification Sherloc (09022015). Collection method: clinical testing. Allele origin: germline.

CeGaT Center for Human Genetics Tuebingen
Classification: Likely benign. Last evaluated: 2025-06-01. Review status: criteria provided, single submitter. Criteria: CeGaT Center For Human Genetics Tuebingen Variant Classification Criteria Version 2. Collection method: clinical testing. Allele origin: germline. Affected: yes. Observed: 2 variant alleles.
Comment: KMT2B: BP4, BP7